The following is an entry in ClinVar:

ClinVar aggregate classification (germline): Uncertain significance. Review status: criteria provided, multiple submitters, no conflicts (2 of 4 stars). 2 submissions from 2 submitters: Uncertain significance (2). Last evaluated 2026-07-01.

Conditions:
Gorlin syndrome. Also called: Nevoid Basal Cell Carcinoma Syndrome; Basal cell nevus syndrome. Identifiers: Orphanet 377, MedGen C0004779, MONDO:0007187.
Hereditary cancer-predisposing syndrome. Also called: Hereditary neoplastic syndrome; Neoplastic Syndromes, Hereditary; Tumor predisposition; Hereditary Cancer Syndrome. Identifiers: Orphanet 140162, MedGen C0027672, MeSH D009386, MONDO:0015356.

Submissions (2):

Ambry Genetics
Classification: Uncertain significance for Hereditary cancer-predisposing syndrome. Last evaluated: 2026-07-01. Review status: criteria provided, single submitter. Criteria: Ambry Variant Classification Scheme 2023. Collection method: clinical testing. Allele origin: germline.
Comment: The p.A8D variant (also known as c.23C>A), located in coding exon 1 of the PTCH1 gene, results from a C to A substitution at nucleotide position 23. The alanine at codon 8 is replaced by aspartic acid, an amino acid with dissimilar properties. This amino acid position is not well conserved in available vertebrate species. In addition, this alteration is predicted to be tolerated by in silico analysis. Based on the available evidence, the clinical significance of this variant remains unclear.

Labcorp Genetics (formerly Invitae), Labcorp
Classification: Uncertain significance for Gorlin syndrome. Last evaluated: 2024-12-09. Review status: criteria provided, single submitter. Criteria: Invitae Variant Classification Sherloc (09022015). Collection method: clinical testing. Allele origin: germline.
Comment: This sequence change replaces alanine, which is neutral and non-polar, with aspartic acid, which is acidic and polar, at codon 8 of the PTCH1 protein (p.Ala8Asp). This variant is not present in population databases (gnomAD no frequency). This variant has not been reported in the literature in individuals affected with PTCH1-related conditions. Invitae Evidence Modeling of protein sequence and biophysical properties (such as structural, functional, and spatial information, amino acid conservation, physicochemical variation, residue mobility, and thermodynamic stability) indicates that this missense variant is not expected to disrupt PTCH1 protein function with a negative predictive value of 95%. In summary, the available evidence is currently insufficient to determine the role of this variant in disease. Therefore, it has been classified as a Variant of Uncertain Significance.

NM_000264.5(PTCH1):c.23C>A (p.Ala8Asp)

Genes: PTCH1 (patched 1; minus strand), LOC130002133 (ATAC-STARR-seq lymphoblastoid silent region 20071; plus strand). Cytogenetic location: 9q22.32.
Variant type: single nucleotide variant.
Coding change: c.23C>A on transcript NM_000264.5 (MANE Select); coding-DNA position 23, C replaced by A.
Protein change: p.Ala8Asp; replaces alanine 8 with aspartic acid.
Molecular consequence: missense variant. On other transcripts: non-coding transcript variant (1), intron variant (3).
Genome position (GRCh38, 1-based): chr9:95,508,339, G>T on the plus strand (C>A on the coding strand, the complement: PTCH1 is on the minus strand). VCF-style: chr9-95508339-G-T. GRCh37 (hg19) VCF-style: chr9-98270621-G-T.
Other names: c.23C>A, p.Ala8Asp (NM_001354918.2); c.199-1740C>A (NM_001083603.3); c.4-1740C>A (NM_001083602.3, NM_001354919.2); short protein forms A8D.
Identifiers: ClinVar variation 3635869 (VCV003635869.3).